The following is an entry in ClinVar:

NM_005327.7(HADH):c.203dup (p.Ile70fs)

Gene: HADH (hydroxyacyl-CoA dehydrogenase; plus strand). Cytogenetic location: 4q25.
Variant type: Duplication.
Coding change: c.203dup on transcript NM_005327.7 (MANE Select); coding-DNA position 203, one base duplicated (A; older notation c.203dupA).
Protein change: p.Ile70fs; shifts the reading frame from isoleucine 70.
Molecular consequence: frameshift variant.
Genome position (GRCh38, 1-based): chr4:108,009,829, A duplicated; the last of 5 consecutive A bases (chr4:108,009,825-108,009,829); duplicating any one gives the same sequence. VCF-style (leftmost placement, unchanged base first): chr4-108009824-C-CA. GRCh37 (hg19) VCF-style: chr4-108930980-C-CA.
Other names: c.203dup, p.Ile70fs (NM_001184705.4); c.215dup, p.Ile74fs (NM_001331027.2); short protein forms I70fs, I74fs.
Identifiers: ClinVar variation 2440673 (VCV002440673.6), dbSNP rs1402140155, ClinGen allele CA553632056.

ClinVar aggregate classification (germline): Pathogenic/Likely pathogenic. Review status: criteria provided, multiple submitters, no conflicts (2 of 4 stars). 2 submissions from 2 submitters: Pathogenic (1); Likely pathogenic (1). Last evaluated 2025-07-26.

Conditions:
Deficiency of 3-hydroxyacyl-CoA dehydrogenase. Also called: HADH DEFICIENCY; 3-hydroxyacyl-CoA dehydrogenase deficiency. Identifiers: Orphanet 309127, Orphanet 71212, MedGen C1291230, MONDO:0017715, OMIM 231530.

Submissions (2):

Revvity Omics, Revvity
Classification: Likely pathogenic. Last evaluated: 2025-07-26. Review status: criteria provided, single submitter. Criteria: ACMG Guidelines, 2015. Collection method: clinical testing. Allele origin: germline.

Labcorp Genetics (formerly Invitae), Labcorp
Classification: Pathogenic for Deficiency of 3-hydroxyacyl-CoA dehydrogenase. Last evaluated: 2024-01-03. Review status: criteria provided, single submitter. Criteria: Invitae Variant Classification Sherloc (09022015). Collection method: clinical testing. Allele origin: germline.
Comment: This sequence change creates a premature translational stop signal (p.Ile70Asnfs*2) in the HADH gene. It is expected to result in an absent or disrupted protein product. Loss-of-function variants in HADH are known to be pathogenic (PMID: 8825408). This variant is present in population databases (no rsID available, gnomAD 0.003%). This variant has not been reported in the literature in individuals affected with HADH-related conditions. ClinVar contains an entry for this variant (Variation ID: 2440673). For these reasons, this variant has been classified as Pathogenic.

Literature cited by the submitters: PubMed 8825408 (cited by Labcorp Genetics (formerly Invitae), Labcorp).